The following is an entry in ClinVar:

NM_001374736.1(DST):c.17044A>G (p.Ile5682Val)

Gene: DST (dystonin; minus strand). Cytogenetic location: 6p12.1.
Variant type: single nucleotide variant.
Coding change: c.17044A>G on transcript NM_001374736.1 (MANE Select); coding-DNA position 17044, A replaced by G.
Protein change: p.Ile5682Val; replaces isoleucine 5682 with valine.
Molecular consequence: missense variant.
Genome position (GRCh38, 1-based): chr6:56,532,408, T>C on the plus strand (A>G on the coding strand, the complement: DST is on the minus strand). VCF-style: chr6-56532408-T-C. GRCh37 (hg19) VCF-style: chr6-56397206-T-C.
Other names: c.10687A>G, p.Ile3563Val (NM_001144769.5); c.10273A>G, p.Ile3425Val (NM_001144770.2); c.17044A>G, p.Ile5682Val (NM_001374722.1); c.16411A>G, p.Ile5471Val (NM_001374729.1); c.10153A>G, p.Ile3385Val (NM_001374730.1, NM_001386100.1, NM_183380.4); c.17071A>G, p.Ile5691Val (NM_001374734.1); c.9175A>G, p.Ile3059Val (NM_015548.5); short protein forms I3059V, I5471V, I3425V, I3563V, I5682V, I3385V, I5691V.
Identifiers: ClinVar variation 1410624 (VCV001410624.3), dbSNP rs557727492, ClinGen allele CA3867537.

ClinVar aggregate classification (germline): Uncertain significance (1 of 4 stars; one submission).

Conditions:
Hereditary sensory and autonomic neuropathy type 6. Also called: Neuropathy, hereditary sensory and autonomic, type VI; HSAN VI. Identifiers: Orphanet 314381, MedGen C3539003, MONDO:0013839, OMIM 614653.
Epidermolysis bullosa simplex 3, localized or generalized intermediate, with BP230 deficiency (EBS3). Also called: Epidermolysis bullosa simplex, autosomal recessive 2; Epidermolysis bullosa simplex due to BP230 deficiency. Identifiers: Orphanet 412181, MedGen C3809470, MONDO:0014180, OMIM 615425.

Allele frequency attached by ClinVar (database versions not stated): gnomAD exomes below 0.00001 and 0.00001; ExAC 0.00001; gnomAD 0.00001.
gnomAD v4.1: 8 of 1,613,616 alleles (0.0005%); highest among the groups gnomAD compares: Non-Finnish European, 0.00068%; no homozygotes.

Submission:

Labcorp Genetics (formerly Invitae), Labcorp
Classification: Uncertain significance for Epidermolysis bullosa simplex 3, localized or generalized intermediate, with BP230 deficiency; Hereditary sensory and autonomic neuropathy type 6. Last evaluated: 2021-05-12. Review status: criteria provided, single submitter. Criteria: Invitae Variant Classification Sherloc (09022015). Collection method: clinical testing. Allele origin: germline.
Comment: This sequence change replaces isoleucine with valine at codon 3059 of the DST protein (p.Ile3059Val). The DST gene has multiple clinically relevant transcripts. This variant occurs in alternate transcript NM_015548.4, and corresponds to NM_001723.5:c.*83109A>G in the primary transcript. This variant is present in population databases (rs557727492, ExAC 0.002%). This variant has not been reported in the literature in individuals with DST-related conditions. Experimental studies and prediction algorithms are not available or were not evaluated, and the functional significance of this variant is currently unknown. Algorithms developed to predict the effect of sequence changes on RNA splicing suggest that this variant may create or strengthen a splice site, but this prediction has not been confirmed by published transcriptional studies. In summary, the available evidence is currently insufficient to determine the role of this variant in disease. Therefore, it has been classified as a Variant of Uncertain Significance.